The following is an entry in ClinVar:

NC_000015.9:g.(?_48888460)_(48936966_?)del

Gene: FBN1 (fibrillin 1; minus strand). Cytogenetic location: 15q21.1.
Variant type: Deletion.
Identifiers: ClinVar variation 3243721 (VCV003243721.1).

ClinVar aggregate classification (germline): Pathogenic (1 of 4 stars; one submission).

Conditions:
Marfan syndrome (MFS). Also called: MARFAN SYNDROME, TYPE I; Marfan syndrome type 1; Marfan's syndrome; Marfan syndrome, classic; FBN1-Related Marfan Syndrome. Identifiers: Orphanet 284963, Orphanet 558, MedGen C0024796, MONDO:0007947, OMIM 154700.
Familial thoracic aortic aneurysm and aortic dissection (TAAD). Also called: Thoracic aortic aneurysms and dissections. Identifiers: Orphanet 91387, MedGen C4707243, MONDO:0019625.

Submission:

Labcorp Genetics (formerly Invitae), Labcorp
Classification: Pathogenic for Marfan syndrome; Familial thoracic aortic aneurysm and aortic dissection. Last evaluated: 2024-01-11. Review status: criteria provided, single submitter. Criteria: Invitae Variant Classification Sherloc (09022015). Collection method: clinical testing. Allele origin: unknown.
Comment: This variant is a gross deletion of the genomic region encompassing exon(s) 2-6 of the FBN1 gene, which includes the initiator codon. This deletion extends beyond the assayed region for this gene and therefore may encompass additional genes. It is expected to result in an absent or disrupted protein product. Loss-of-function variants in FBN1 are known to be pathogenic (PMID: 17657824, 19293843). This variant has not been reported in the literature in individuals affected with FBN1-related conditions. For these reasons, this variant has been classified as Pathogenic.

Literature cited by the submitters: PubMed 17657824; PubMed 19293843.